The following is an entry in ClinVar:

NM_001111.5(ADAR):c.2699G>T (p.Ser900Ile)

Genes: ADAR (adenosine deaminase RNA specific; minus strand), LOC126805874 (CDK7 strongly-dependent group 2 enhancer GRCh37_chr1:154561176-154562375; plus strand). Cytogenetic location: 1q21.3.
Variant type: single nucleotide variant.
Coding change: c.2699G>T on transcript NM_001111.5 (MANE Select); coding-DNA position 2699, G replaced by T.
Protein change: p.Ser900Ile; replaces serine 900 with isoleucine.
Molecular consequence: missense variant.
Genome position (GRCh38, 1-based): chr1:154,589,432, C>A on the plus strand (G>T on the coding strand, the complement: ADAR is on the minus strand). VCF-style: chr1-154589432-C-A. GRCh37 (hg19) VCF-style: chr1-154561908-C-A.
Other names: c.1814G>T, p.Ser605Ile (NM_001025107.3, NM_001193495.2, NM_001365046.1 and 2 more transcripts); c.2726G>T, p.Ser909Ile (NM_001365045.1); c.1736G>T, p.Ser579Ile (NM_001365049.1); c.2621G>T, p.Ser874Ile (NM_015840.4); c.2564G>T, p.Ser855Ile (NM_015841.4); short protein forms S605I, S900I, S579I, S855I, S874I, S909I.
Identifiers: ClinVar variation 1394761 (VCV001394761.8), dbSNP rs1415969306, ClinGen allele CA342636660.

ClinVar aggregate classification (germline): Uncertain significance (1 of 4 stars; one submission).

Conditions:
Aicardi-Goutieres syndrome 6 (AGS6). Identifiers: Orphanet 51, MedGen C3539013, MONDO:0014007, OMIM 615010.
Symmetrical dyschromatosis of extremities (DSH). Also called: Dyschromatosis symmetrica hereditaria; DYSCHROMATOSIS SYMMETRICA HEREDITARIA 1; RETICULATE ACROPIGMENTATION OF DOHI; SYMMETRIC DYSCHROMATOSIS OF THE EXTREMITIES. Identifiers: Orphanet 41, MedGen C0406775, MONDO:0007483, OMIM 127400.

Submission:

Labcorp Genetics (formerly Invitae), Labcorp
Classification: Uncertain significance for Aicardi-Goutieres syndrome 6; Symmetrical dyschromatosis of extremities. Last evaluated: 2022-06-24. Review status: criteria provided, single submitter. Criteria: Invitae Variant Classification Sherloc (09022015). Collection method: clinical testing. Allele origin: germline.
Comment: In summary, the available evidence is currently insufficient to determine the role of this variant in disease. Therefore, it has been classified as a Variant of Uncertain Significance. Algorithms developed to predict the effect of missense changes on protein structure and function are either unavailable or do not agree on the potential impact of this missense change (SIFT: "Deleterious"; PolyPhen-2: "Probably Damaging"; Align-GVGD: "Class C0"). This variant has not been reported in the literature in individuals affected with ADAR-related conditions. This variant is not present in population databases (gnomAD no frequency). This sequence change replaces serine, which is neutral and polar, with isoleucine, which is neutral and non-polar, at codon 900 of the ADAR protein (p.Ser900Ile).